The following is an entry in ClinVar:

ClinVar aggregate classification (germline): Uncertain significance (1 of 4 stars; one submission).

Conditions:
Charcot-Marie-Tooth disease axonal type 2P. Also called: CHARCOT-MARIE-TOOTH NEUROPATHY, TYPE 2P; Charcot-Marie-Tooth Neuropathy Type 2G; CHARCOT-MARIE-TOOTH DISEASE, AXONAL, TYPE 2G; CMT 2G. Identifiers: Orphanet 300319, Orphanet 99941, MedGen C3280797, MONDO:0013753, OMIM 614436.

Submission:

Labcorp Genetics (formerly Invitae), Labcorp
Classification: Uncertain significance for Charcot-Marie-Tooth disease axonal type 2P. Last evaluated: 2024-02-23. Review status: criteria provided, single submitter. Criteria: Invitae Variant Classification Sherloc (09022015). Collection method: clinical testing. Allele origin: germline.
Comment: This sequence change replaces arginine, which is basic and polar, with tryptophan, which is neutral and slightly polar, at codon 323 of the LRSAM1 protein (p.Arg323Trp). This variant is present in population databases (rs746549530, gnomAD 0.009%). This variant has not been reported in the literature in individuals affected with LRSAM1-related conditions. Advanced modeling of protein sequence and biophysical properties (such as structural, functional, and spatial information, amino acid conservation, physicochemical variation, residue mobility, and thermodynamic stability) has been performed at Invitae for this missense variant, however the output from this modeling did not meet the statistical confidence thresholds required to predict the impact of this variant on LRSAM1 protein function. In summary, the available evidence is currently insufficient to determine the role of this variant in disease. Therefore, it has been classified as a Variant of Uncertain Significance.

NM_001005373.4(LRSAM1):c.967C>T (p.Arg323Trp)

Gene: LRSAM1 (leucine rich repeat and sterile alpha motif containing 1; plus strand). Cytogenetic location: 9q33.3.
Variant type: single nucleotide variant.
Coding change: c.967C>T on transcript NM_001005373.4 (MANE Select); coding-DNA position 967, C replaced by T.
Protein change: p.Arg323Trp; replaces arginine 323 with tryptophan.
Molecular consequence: missense variant. On other transcripts: non-coding transcript variant (2).
Genome position (GRCh38, 1-based): chr9:127,479,902, C>T. VCF-style: chr9-127479902-C-T. GRCh37 (hg19) VCF-style: chr9-130242181-C-T.
Other names: c.967C>T, p.Arg323Trp (NM_001005374.4, NM_001384143.1, NM_138361.5 and 2 more transcripts); c.178C>T, p.Arg60Trp (NM_001384144.1); short protein forms R323W, R60W.
Identifiers: ClinVar variation 3707464 (VCV003707464.2).